The following is an entry in ClinVar:

ClinVar aggregate classification (germline): Conflicting classifications of pathogenicity. Review status: criteria provided, conflicting classifications (1 of 4 stars). 2 submissions from 2 submitters: Pathogenic (1); Uncertain significance (1). Last evaluated 2025-01-17.

Conditions:
Developmental and epileptic encephalopathy. Identifiers: MedGen C5779964, MONDO:0100620.

Submissions (2):

GeneDx
Classification: Pathogenic. Last evaluated: 2025-01-17. Review status: criteria provided, single submitter. Criteria: GeneDx Variant Classification Process June 2021. Collection method: clinical testing. Allele origin: germline. Affected: yes.
Comment: In silico analysis supports that this missense variant has a deleterious effect on protein structure/function; Not observed at significant frequency in large population cohorts (gnomAD); Has not been previously published as pathogenic or benign to our knowledge

Labcorp Genetics (formerly Invitae), Labcorp
Classification: Uncertain significance for Early-infantile DEE. Last evaluated: 2021-08-27. Review status: criteria provided, single submitter. Criteria: Invitae Variant Classification Sherloc (09022015). Collection method: clinical testing. Allele origin: germline.

NM_172107.4(KCNQ2):c.556G>A (p.Gly186Ser)

Gene: KCNQ2 (potassium voltage-gated channel subfamily Q member 2; minus strand). Cytogenetic location: 20q13.33.
Variant type: single nucleotide variant.
Coding change: c.556G>A on transcript NM_172107.4 (MANE Select); coding-DNA position 556, G replaced by A.
Protein change: p.Gly186Ser; replaces glycine 186 with serine.
Molecular consequence: missense variant.
Genome position (GRCh38, 1-based): chr20:63,444,793, C>T on the plus strand (G>A on the coding strand, the complement: KCNQ2 is on the minus strand). VCF-style: chr20-63444793-C-T. GRCh37 (hg19) VCF-style: chr20-62076146-C-T.
Other names: c.556G>A, p.Gly186Ser (NM_001382235.1, NM_004518.6, NM_172106.3 and 2 more transcripts); short protein forms G186S.
Identifiers: ClinVar variation 958083 (VCV000958083.11), dbSNP rs2081363570, ClinGen allele CA409654891.